The following is an entry in ClinVar:

NM_001080517.3(SETD5):c.245C>G (p.Pro82Arg)

Gene: SETD5 (SET domain containing 5; plus strand). Cytogenetic location: 3p25.3.
Variant type: single nucleotide variant.
Coding change: c.245C>G on transcript NM_001080517.3 (MANE Select); coding-DNA position 245, C replaced by G.
Protein change: p.Pro82Arg; replaces proline 82 with arginine.
Molecular consequence: missense variant. On other transcripts: 5 prime UTR variant (2).
Genome position (GRCh38, 1-based): chr3:9,434,401, C>G. VCF-style: chr3-9434401-C-G. GRCh37 (hg19) VCF-style: chr3-9476085-C-G.
Other names: c.245C>G, p.Pro82Arg (NM_001437643.1, NM_001437701.1); c.-89C>G (NM_001292043.2); c.-130C>G (NM_001349451.2); c.302C>G, p.Pro101Arg (NM_001437633.1, NM_001437635.1); short protein forms P101R, P82R.
Identifiers: ClinVar variation 4882116 (VCV004882116.2).
Genomic context (GRCh38, chr3:9,434,401, plus strand): 5'-TCCCTCGTTCTGACCTGAATGGCCTGCCGTCGCCTGTAGAGGAACGCTGTGGAGACAGCC[C>G]GAACTCTGAAGGAGAAACTGTACCTACCTGGTGTCCTTGTGGTCTTTCTCAGGATGGCTT-3'
Protein context (NP_001073986.1, residues 72-92): SPVEERCGDS[Pro82Arg]NSEGETVPTW

ClinVar aggregate classification (germline): Uncertain significance (1 of 4 stars; one submission).

Conditions:
Intellectual disability-facial dysmorphism syndrome due to SETD5 haploinsufficiency (MRD23). Also called: Intellectual developmental disorder, autosomal dominant 23. Identifiers: Orphanet 404440, MedGen C3810406, MONDO:0014336, OMIM 615761.

Submission:

Dasa
Classification: Uncertain significance for Intellectual disability-facial dysmorphism syndrome due to SETD5 haploinsufficiency. Last evaluated: 2025-03-08. Review status: criteria provided, single submitter. Criteria: DASA Assertion Criteria. Collection method: clinical testing. Allele origin: germline.
Comment: NM_001080517.3(SETD5):c.245C>G (p.Pro82Arg) is a missense variant that results in the substitution of proline with arginine. This variant is absent from population databases. Computational prediction algorithms are consistent with a benign effect. The currently available literature and clinical evidence are not sufficient to establish a definitive association between this variant and the reported condition. Therefore, this variant is classified as a variant of uncertain significance.